The following is an entry in ClinVar:

ClinVar aggregate classification (germline): Uncertain significance. Review status: criteria provided, single submitter (1 of 4 stars). 2 submissions from 2 submitters: Uncertain significance (1). 1 of the submissions does not count toward it. Last evaluated 2025-09-11.

Conditions:
ALMS1-related disorder. Also called: ALMS1-related condition.
Alstrom syndrome (ALMS). Identifiers: Orphanet 64, MedGen C0268425, MONDO:0008763, OMIM 203800.

Submissions (2):

PreventionGenetics, part of Exact Sciences
Classification: Uncertain significance for ALMS1-related condition. Last evaluated: 2025-09-11. Review status: criteria provided, single submitter. Criteria: ACMG Guidelines, 2015. Collection method: clinical testing. Allele origin: germline.
Comment: The ALMS1 c.4234G>A variant is predicted to result in the amino acid substitution p.Gly1412Arg. To our knowledge, this variant has not been reported in the literature or in a large population database (gnomAD), indicating this variant is rare. At this time, the clinical significance of this variant is uncertain due to the absence of conclusive functional and genetic evidence.

Counsyl
Classification: Uncertain significance for Alstrom syndrome. Last evaluated: 2017-01-09. Review status: no assertion criteria provided. Collection method: clinical testing. Allele origin: unknown. Not counted in ClinVar's aggregate classification.

NM_001378454.1(ALMS1):c.4231G>A (p.Val1411Ile)

Gene: ALMS1 (ALMS1 centrosome and basal body associated protein; plus strand). Cytogenetic location: 2p13.1.
Variant type: single nucleotide variant.
Coding change: c.4231G>A on transcript NM_001378454.1 (MANE Select); coding-DNA position 4231, G replaced by A.
Protein change: p.Val1411Ile; replaces valine 1411 with isoleucine.
Molecular consequence: missense variant.
Genome position (GRCh38, 1-based): chr2:73,450,758, G>A. VCF-style: chr2-73450758-G-A. GRCh37 (hg19) VCF-style: chr2-73677885-G-A.
Other names: c.4234G>A, p.Val1412Ile (NM_015120.4); short protein forms V1412I, V1411I.
Identifiers: ClinVar variation 550069 (VCV000550069.3), dbSNP rs1553403843, ClinGen allele CA347277808.